The following is an entry in ClinVar:

NM_001291303.3(FAT4):c.4207A>T (p.Thr1403Ser)

Gene: FAT4 (FAT atypical cadherin 4; plus strand). Cytogenetic location: 4q28.1.
Variant type: single nucleotide variant.
Coding change: c.4207A>T on transcript NM_001291303.3 (MANE Select); coding-DNA position 4207, A replaced by T.
Protein change: p.Thr1403Ser; replaces threonine 1403 with serine.
Molecular consequence: missense variant.
Genome position (GRCh38, 1-based): chr4:125,320,618, A>T. VCF-style: chr4-125320618-A-T. GRCh37 (hg19) VCF-style: chr4-126241773-A-T.
Other names: c.4207A>T, p.Thr1403Ser (NM_001291285.3, NM_024582.6); short protein forms T1403S.
Identifiers: ClinVar variation 2122004 (VCV002122004.4), dbSNP rs758272022, ClinGen allele CA358125914.

ClinVar aggregate classification (germline): Uncertain significance (1 of 4 stars; one submission).

Submission:

Labcorp Genetics (formerly Invitae), Labcorp
Classification: Uncertain significance. Last evaluated: 2024-12-16. Review status: criteria provided, single submitter. Criteria: Invitae Variant Classification Sherloc (09022015). Collection method: clinical testing. Allele origin: germline.
Comment: This sequence change replaces threonine, which is neutral and polar, with serine, which is neutral and polar, at codon 1403 of the FAT4 protein (p.Thr1403Ser). This variant is not present in population databases (gnomAD no frequency). This variant has not been reported in the literature in individuals affected with FAT4-related conditions. ClinVar contains an entry for this variant (Variation ID: 2122004). Invitae Evidence Modeling of protein sequence and biophysical properties (such as structural, functional, and spatial information, amino acid conservation, physicochemical variation, residue mobility, and thermodynamic stability) indicates that this missense variant is not expected to disrupt FAT4 protein function with a negative predictive value of 80%. In summary, the available evidence is currently insufficient to determine the role of this variant in disease. Therefore, it has been classified as a Variant of Uncertain Significance.